The following is an entry in ClinVar:

ClinVar aggregate classification (germline): Uncertain significance (1 of 4 stars; one submission).

Allele frequency attached by ClinVar (database versions not stated): gnomAD exomes below 0.00001.
gnomAD v4.1: 1 of 1,612,864 alleles (0.000062%); highest among the groups gnomAD compares: Non-Finnish European, 0.000085%; no homozygotes.

Submission:

Labcorp Genetics (formerly Invitae), Labcorp
Classification: Uncertain significance. Last evaluated: 2022-07-05. Review status: criteria provided, single submitter. Criteria: Invitae Variant Classification Sherloc (09022015). Collection method: clinical testing. Allele origin: germline.
Comment: This sequence change replaces methionine, which is neutral and non-polar, with isoleucine, which is neutral and non-polar, at codon 571 of the CLCN7 protein (p.Met571Ile). This variant is not present in population databases (gnomAD no frequency). This variant has not been reported in the literature in individuals affected with CLCN7-related conditions. ClinVar contains an entry for this variant (Variation ID: 1483927). Advanced modeling of protein sequence and biophysical properties (such as structural, functional, and spatial information, amino acid conservation, physicochemical variation, residue mobility, and thermodynamic stability) performed at Invitae indicates that this missense variant is not expected to disrupt CLCN7 protein function. Algorithms developed to predict the effect of sequence changes on RNA splicing suggest that this variant may create or strengthen a splice site. In summary, the available evidence is currently insufficient to determine the role of this variant in disease. Therefore, it has been classified as a Variant of Uncertain Significance.

NM_001287.6(CLCN7):c.1713G>A (p.Met571Ile)

Gene: CLCN7 (chloride voltage-gated channel 7; minus strand). Cytogenetic location: 16p13.3.
Variant type: single nucleotide variant.
Coding change: c.1713G>A on transcript NM_001287.6 (MANE Select); coding-DNA position 1713, G replaced by A.
Protein change: p.Met571Ile; replaces methionine 571 with isoleucine.
Molecular consequence: missense variant.
Genome position (GRCh38, 1-based): chr16:1,449,050, C>T on the plus strand (G>A on the coding strand, the complement: CLCN7 is on the minus strand). VCF-style: chr16-1449050-C-T. GRCh37 (hg19) VCF-style: chr16-1499051-C-T.
Other names: c.1641G>A, p.Met547Ile (NM_001114331.3); short protein forms M571I, M547I.
Identifiers: ClinVar variation 1483927 (VCV001483927.6), dbSNP rs2142368563, ClinGen allele CA394186805.